The following is an entry in ClinVar:

NM_001297563.2(TCEANC):c.971C>T (p.Ser324Leu)

Gene: TCEANC (transcription elongation factor A N-terminal and central domain containing; plus strand). Cytogenetic location: Xp22.2.
Variant type: single nucleotide variant.
Coding change: c.971C>T on transcript NM_001297563.2 (MANE Select); coding-DNA position 971, C replaced by T.
Protein change: p.Ser324Leu; replaces serine 324 with leucine.
Molecular consequence: missense variant.
Genome position (GRCh38, 1-based): chrX:13,663,479, C>T. VCF-style: chrX-13663479-C-T. GRCh37 (hg19) VCF-style: chrX-13681598-C-T.
Other names: c.971C>T, p.Ser324Leu (NM_001297564.2); c.1061C>T, p.Ser354Leu (NM_152634.4); short protein forms S324L, S354L.
Identifiers: ClinVar variation 3251012 (VCV003251012.18), dbSNP rs2518570367.
Genomic context (GRCh38, chrX:13,663,479, plus strand): 5'-ATTGCAAAGTCACTGTAATTGACAGAGGAACACTTTTCCTTCCCAGCTGGGTGCGGAATT[C>T]AAACCCAGATGAACAAATGATGACTTACGTAATTTGTAACGAATGTGGGGAGCAGTGGTA-3'
Protein context (NP_001284492.1, residues 314-334): TLFLPSWVRN[Ser324Leu]NPDEQMMTYV

ClinVar aggregate classification (germline): Uncertain significance (1 of 4 stars; one submission).

Submission:

CeGaT Center for Human Genetics Tuebingen
Classification: Uncertain significance. Last evaluated: 2024-06-01. Review status: criteria provided, single submitter. Criteria: CeGaT Center For Human Genetics Tuebingen Variant Classification Criteria Version 2. Collection method: clinical testing. Allele origin: germline. Affected: yes. Observed: 1 variant allele.
Comment: TCEANC: PM2, BP4